The following is an entry in ClinVar:

NM_006514.4(SCN10A):c.1426T>C (p.Ser476Pro)

Gene: SCN10A (sodium voltage-gated channel alpha subunit 10; minus strand). Cytogenetic location: 3p22.2.
Variant type: single nucleotide variant.
Coding change: c.1426T>C on transcript NM_006514.4 (MANE Select); coding-DNA position 1426, T replaced by C.
Protein change: p.Ser476Pro; replaces serine 476 with proline.
Molecular consequence: missense variant.
Genome position (GRCh38, 1-based): chr3:38,755,823, A>G on the plus strand (T>C on the coding strand, the complement: SCN10A is on the minus strand). VCF-style: chr3-38755823-A-G. GRCh37 (hg19) VCF-style: chr3-38797314-A-G.
Other names: c.1426T>C, p.Ser476Pro (NM_001293306.2, NM_001293307.2); short protein forms S476P.
Identifiers: ClinVar variation 3316495 (VCV003316495.1).

ClinVar aggregate classification (germline): Uncertain significance (1 of 4 stars; one submission).

Conditions:
Cardiovascular phenotype. Identifiers: MedGen CN230736.

gnomAD v4.1: 1 of 1,613,750 alleles (0.000062%); highest among the groups gnomAD compares: African/African-American, 0.0013%; no homozygotes.

Submission:

Ambry Genetics
Classification: Uncertain significance for Cardiovascular phenotype. Last evaluated: 2024-05-17. Review status: criteria provided, single submitter. Criteria: Ambry Variant Classification Scheme 2023. Collection method: clinical testing. Allele origin: germline.
Comment: The p.S476P variant (also known as c.1426T>C), located in coding exon 10 of the SCN10A gene, results from a T to C substitution at nucleotide position 1426. The serine at codon 476 is replaced by proline, an amino acid with similar properties. This amino acid position is conserved. In addition, the in silico prediction for this alteration is inconclusive. Based on the available evidence, the clinical significance of this variant remains unclear.